The following is an entry in ClinVar:

NM_006662.3(SRCAP):c.5506A>G (p.Thr1836Ala)

Gene: SRCAP (Snf2 related CREBBP activator protein; plus strand). Cytogenetic location: 16p11.2.
Variant type: single nucleotide variant.
Coding change: c.5506A>G on transcript NM_006662.3 (MANE Select); coding-DNA position 5506, A replaced by G.
Protein change: p.Thr1836Ala; replaces threonine 1836 with alanine.
Molecular consequence: missense variant.
Genome position (GRCh38, 1-based): chr16:30,724,930, A>G. VCF-style: chr16-30724930-A-G. GRCh37 (hg19) VCF-style: chr16-30736251-A-G.
Other names: c.5506A>G (NM_006662.2); short protein forms T1836A.
Identifiers: ClinVar variation 2646400 (VCV002646400.25), dbSNP rs2506683601, ClinGen allele CA395618710.
Genomic context (GRCh38, chr16:30,724,930, plus strand): 5'-CCAGCTTCCCAGGCATCTTCCCTTGTGGTTTCGGCATCTGGTGCCGCTCCCTTGCCTGTC[A>G]CCATGGTATCCCGGCTGCCTGTTTCCAAGGATGAGCCTGACACACTGACATTGCGCTCTG-3'
Protein context (NP_006653.2, residues 1826-1846): SASGAAPLPV[Thr1836Ala]MVSRLPVSKD

ClinVar aggregate classification (germline): Uncertain significance. Review status: criteria provided, multiple submitters, no conflicts (2 of 4 stars). 2 submissions from 2 submitters: Uncertain significance (2). Last evaluated 2025-08-08.

Conditions:
Inborn genetic diseases. Identifiers: MedGen C0950123, MeSH D030342.

Submissions (2):

Ambry Genetics
Classification: Uncertain significance for Inborn genetic diseases. Last evaluated: 2025-08-08. Review status: criteria provided, single submitter. Criteria: Ambry Variant Classification Scheme 2023. Collection method: clinical testing. Allele origin: germline.

CeGaT Center for Human Genetics Tuebingen
Classification: Uncertain significance. Last evaluated: 2023-02-01. Review status: criteria provided, single submitter. Criteria: CeGaT Center For Human Genetics Tuebingen Variant Classification Criteria Version 2. Collection method: clinical testing. Allele origin: germline. Affected: yes. Observed: 1 variant allele.
Comment: SRCAP: PM2